The following is an entry in ClinVar:

NR_001564.3(XIST):n.18939T>C

Genes: TSIX (TSIX transcript, XIST antisense RNA; plus strand), XIST (X inactive specific transcript; minus strand). Cytogenetic location: Xq13.2.
Variant type: single nucleotide variant.
Molecular consequence: non-coding transcript variant (on NR_003255.2).
Genome position: GRCh38 VCF-style: chrX-73820953-A-G. GRCh37 (hg19) VCF-style: chrX-73040788-A-G.
Identifiers: ClinVar variation 3042649 (VCV003042649.2), dbSNP rs145461488, ClinGen allele CA10451730.

ClinVar aggregate classification (germline): Benign (0 of 4 stars; one submission).

Conditions:
XIST-related disorder. Also called: XIST-related condition.

Allele frequency attached by ClinVar (database versions not stated): gnomAD exomes 0.00168; ExAC 0.00376; gnomAD 0.01258; ESP Exome Variant Server 0.01304; TOPMed 0.01419; 1000 Genomes Project 0.01563; 1000 Genomes Project 30x 0.01686.
gnomAD v4.1: 2,203 of 557,636 alleles (0.4%); highest among the groups gnomAD compares: African/African-American, 4.3%; 29 homozygotes.

Submission:

PreventionGenetics, part of Exact Sciences
Classification: Benign for XIST-related condition. Last evaluated: 2019-02-24. Review status: no assertion criteria provided. Collection method: clinical testing. Allele origin: germline.
Comment: This variant is classified as benign based on ACMG/AMP sequence variant interpretation guidelines (Richards et al. 2015 PMID: 25741868, with internal and published modifications).